The following is an entry in ClinVar:

NM_020975.6(RET):c.1405G>A (p.Asp469Asn)

Gene: RET (ret proto-oncogene; plus strand). Cytogenetic location: 10q11.21.
Variant type: single nucleotide variant.
Coding change: c.1405G>A on transcript NM_020975.6 (MANE Select); coding-DNA position 1405, G replaced by A.
Protein change: p.Asp469Asn; replaces aspartic acid 469 with asparagine.
Molecular consequence: missense variant.
Genome position (GRCh38, 1-based): chr10:43,111,348, G>A. VCF-style: chr10-43111348-G-A. GRCh37 (hg19) VCF-style: chr10-43606796-G-A.
Other names: c.1405G>A, p.Asp469Asn (NM_000323.2, NM_001406743.1, NM_001406744.1 and 6 more transcripts); c.643G>A, p.Asp215Asn (NM_001355216.2); c.1276G>A, p.Asp426Asn (NM_001406761.1, NM_001406762.1, NM_001406764.1 and 1 more transcripts); c.1117G>A, p.Asp373Asn (NM_001406766.1, NM_001406767.1, NM_001406770.1); c.1009G>A, p.Asp337Asn (NM_001406769.1, NM_001406772.1); c.967G>A, p.Asp323Asn (NM_001406771.1, NM_001406773.1); c.880G>A, p.Asp294Asn (NM_001406774.1); c.679G>A, p.Asp227Asn (NM_001406775.1, NM_001406776.1, NM_001406777.1 and 1 more transcripts); and 1 more; short protein forms D215N, D469N, D139N, D337N, D373N, D227N, D294N, D323N.
Identifiers: ClinVar variation 1481075 (VCV001481075.12), dbSNP rs772489699, ClinGen allele CA033472.

ClinVar aggregate classification (germline): Uncertain significance. Review status: criteria provided, multiple submitters, no conflicts (2 of 4 stars). 2 submissions from 2 submitters: Uncertain significance (2). Last evaluated 2025-12-24.

Conditions:
Hereditary cancer-predisposing syndrome. Also called: Tumor predisposition; Hereditary Cancer Syndrome; Hereditary neoplastic syndrome; Neoplastic Syndromes, Hereditary. Identifiers: Orphanet 140162, MedGen C0027672, MeSH D009386, MONDO:0015356.
Multiple endocrine neoplasia, type 2 (MEN2). Identifiers: Orphanet 653, MedGen C4048306, MONDO:0019003. Disease mechanism: gain of function.

Allele frequency attached by ClinVar (database versions not stated): ExAC 0.00001.

Submissions (2):

Labcorp Genetics (formerly Invitae), Labcorp
Classification: Uncertain significance for Multiple endocrine neoplasia, type 2. Last evaluated: 2025-12-24. Review status: criteria provided, single submitter. Criteria: Invitae Variant Classification Sherloc (09022015). Collection method: clinical testing. Allele origin: germline.
Comment: This sequence change replaces aspartic acid, which is acidic and polar, with asparagine, which is neutral and polar, at codon 469 of the RET protein (p.Asp469Asn). This variant is present in population databases (rs772489699, gnomAD 0.006%). This missense change has been observed in individual(s) with clinical features of Hirschsprung disease (PMID: 10946353). ClinVar contains an entry for this variant (Variation ID: 1481075). An algorithm developed to predict the effect of missense changes on protein structure and function outputs the following: PolyPhen-2: "Possibly Damaging". The asparagine amino acid residue is found in multiple mammalian species, which suggests that this missense change does not adversely affect protein function. In summary, the available evidence is currently insufficient to determine the role of this variant in disease. Therefore, it has been classified as a Variant of Uncertain Significance.

Ambry Genetics
Classification: Uncertain significance for Hereditary cancer-predisposing syndrome. Last evaluated: 2025-07-17. Review status: criteria provided, single submitter. Criteria: Ambry Variant Classification Scheme 2023. Collection method: clinical testing. Allele origin: germline.
Comment: The p.D469N variant (also known as c.1405G>A), located in coding exon 7 of the RET gene, results from a G to A substitution at nucleotide position 1405. The aspartic acid at codon 469 is replaced by asparagine, an amino acid with highly similar properties. This amino acid position is well conserved in available vertebrate species. In addition, this alteration is predicted to be tolerated by in silico analysis. Based on the available evidence, the clinical significance of this variant remains unclear.

Literature cited by the submitters: PubMed 10946353 (cited by Labcorp Genetics (formerly Invitae), Labcorp and Ambry Genetics).